The following is an entry in ClinVar:

ClinVar aggregate classification (germline): Uncertain significance (1 of 4 stars; one submission).

Allele frequency attached by ClinVar (database versions not stated): ExAC 0.00001; gnomAD 0.00002; TOPMed 0.00004; gnomAD exomes 0.00002; ESP Exome Variant Server 0.00008.
gnomAD v4.1: 12 of 1,614,054 alleles (0.00074%); highest among the groups gnomAD compares: African/African-American, 0.0013%; no homozygotes.

Submission:

Labcorp Genetics (formerly Invitae), Labcorp
Classification: Uncertain significance. Last evaluated: 2025-12-14. Review status: criteria provided, single submitter. Criteria: Invitae Variant Classification Sherloc (09022015). Collection method: clinical testing. Allele origin: germline.
Comment: This sequence change replaces proline, which is neutral and non-polar, with serine, which is neutral and polar, at codon 453 of the MYH3 protein (p.Pro453Ser). This variant is present in population databases (rs370193483, gnomAD 0.004%). This variant has not been reported in the literature in individuals affected with MYH3-related conditions. ClinVar contains an entry for this variant (Variation ID: 2087312). Invitae Evidence Modeling of protein sequence and biophysical properties (such as structural, functional, and spatial information, amino acid conservation, physicochemical variation, residue mobility, and thermodynamic stability) indicates that this missense variant is not expected to disrupt MYH3 protein function with a negative predictive value of 95%. In summary, the available evidence is currently insufficient to determine the role of this variant in disease. Therefore, it has been classified as a Variant of Uncertain Significance.

NM_002470.4(MYH3):c.1357C>T (p.Pro453Ser)

Gene: MYH3 (myosin heavy chain 3; minus strand). Cytogenetic location: 17p13.1.
Variant type: single nucleotide variant.
Coding change: c.1357C>T on transcript NM_002470.4 (MANE Select); coding-DNA position 1357, C replaced by T.
Protein change: p.Pro453Ser; replaces proline 453 with serine.
Molecular consequence: missense variant.
Genome position (GRCh38, 1-based): chr17:10,644,404, G>A on the plus strand (C>T on the coding strand, the complement: MYH3 is on the minus strand). VCF-style: chr17-10644404-G-A. GRCh37 (hg19) VCF-style: chr17-10547721-G-A.
Other names: short protein forms P453S.
Identifiers: ClinVar variation 2087312 (VCV002087312.4), dbSNP rs370193483, ClinGen allele CA8393021.